The following is an entry in ClinVar:

ClinVar aggregate classification (germline): Likely benign (0 of 4 stars; one submission).

Conditions:
MEGF8-related disorder. Also called: MEGF8-related condition.

gnomAD v4.1: 13 of 1,611,688 alleles (0.00081%); highest among the groups gnomAD compares: African/African-American, 0.0067%; no homozygotes.

Submission:

PreventionGenetics, part of Exact Sciences
Classification: Likely benign for MEGF8-related condition. Last evaluated: 2019-05-20. Review status: no assertion criteria provided. Collection method: clinical testing. Allele origin: germline.
Comment: This variant is classified as likely benign based on ACMG/AMP sequence variant interpretation guidelines (Richards et al. 2015 PMID: 25741868, with internal and published modifications).

NM_001271938.2(MEGF8):c.2022C>T (p.Cys674=)

Gene: MEGF8 (multiple EGF like domains 8; plus strand). Cytogenetic location: 19q13.2.
Variant type: single nucleotide variant.
Coding change: c.2022C>T on transcript NM_001271938.2 (MANE Select); coding-DNA position 2022, C replaced by T.
Protein change: p.Cys674=; no amino-acid change (cysteine 674 retained).
Molecular consequence: synonymous variant.
Genome position (GRCh38, 1-based): chr19:42,344,758, C>T. VCF-style: chr19-42344758-C-T. GRCh37 (hg19) VCF-style: chr19-42848910-C-T.
Other names: c.2022C>T, p.Cys674= (NM_001410.3).
Identifiers: ClinVar variation 3350317 (VCV003350317.1).
Genomic context (GRCh38, chr19:42,344,758, plus strand): 5'-CTCAGGCACTGTGGGCTGGTGGGGGCCTGCGCCTGTCTTCGTCACGTCCCTGGAGGCCTG[C>T]GTCACCCAGAGCTTCCTGCCTGGCCTGCACTTGCTCACCTTTCAGCAGCCGCCCAATACC-3'
Protein context (NP_001258867.1, residues 664-684): APVFVTSLEA[Cys674=]VTQSFLPGLH